The following is an entry in ClinVar:

NM_020297.4(ABCC9):c.1659T>C (p.Ala553=)

Gene: ABCC9 (ATP binding cassette subfamily C member 9; minus strand). Cytogenetic location: 12p12.1.
Variant type: single nucleotide variant.
Coding change: c.1659T>C on transcript NM_020297.4 (MANE Select); coding-DNA position 1659, T replaced by C.
Protein change: p.Ala553=; no amino-acid change (alanine 553 retained).
Molecular consequence: synonymous variant.
Genome position (GRCh38, 1-based): chr12:21,895,275, A>G on the plus strand (T>C on the coding strand, the complement: ABCC9 is on the minus strand). VCF-style: chr12-21895275-A-G. GRCh37 (hg19) VCF-style: chr12-22048209-A-G.
Other names: p.Ala553=; c.1659T>C (NM_005691.3); c.1659T>C, p.Ala553= (NM_001377273.1, NM_005691.4); c.795T>C, p.Ala265= (NM_001377274.1).
Identifiers: ClinVar variation 3614138 (VCV003614138.3).

ClinVar aggregate classification (germline): Conflicting classifications of pathogenicity. Review status: criteria provided, conflicting classifications (1 of 4 stars). 2 submissions from 2 submitters: Uncertain significance (1); Likely benign (1). Last evaluated 2025-10-22.

Conditions:
Dilated cardiomyopathy 1O (CMD1O). Also called: CARDIOMYOPATHY, DILATED, WITH VENTRICULAR TACHYCARDIA. Identifiers: Orphanet 154, MedGen C1837839, MONDO:0012062, OMIM 608569.

gnomAD v4.1: 6 of 1,613,086 alleles (0.00037%); highest among the groups gnomAD compares: Non-Finnish European, 0.00025%; no homozygotes.

Submissions (2):

Mayo Clinic Laboratories, Mayo Clinic
Classification: Likely benign. Last evaluated: 2025-10-22. Review status: criteria provided, single submitter. Criteria: ACMG Guidelines, 2015. Collection method: clinical testing. Allele origin: germline. Observed: 1 variant allele.
Comment: BP4, BP7, PM2_supporting

Labcorp Genetics (formerly Invitae), Labcorp
Classification: Uncertain significance for Dilated cardiomyopathy 1O. Last evaluated: 2024-04-09. Review status: criteria provided, single submitter. Criteria: Invitae Variant Classification Sherloc (09022015). Collection method: clinical testing. Allele origin: germline.
Comment: This sequence change affects codon 553 of the ABCC9 mRNA. It is a 'silent' change, meaning that it does not change the encoded amino acid sequence of the ABCC9 protein. It affects a nucleotide within the consensus splice site. This variant is not present in population databases (gnomAD no frequency). This variant has not been reported in the literature in individuals affected with ABCC9-related conditions. Algorithms developed to predict the effect of sequence changes on RNA splicing suggest that this variant is not likely to affect RNA splicing. In summary, the available evidence is currently insufficient to determine the role of this variant in disease. Therefore, it has been classified as a Variant of Uncertain Significance.